The following is an entry in ClinVar:

NM_020987.5(ANK3):c.12936G>T (p.Lys4312Asn)

Gene: ANK3 (ankyrin 3; minus strand). Cytogenetic location: 10q21.2.
Variant type: single nucleotide variant.
Coding change: c.12936G>T on transcript NM_020987.5 (MANE Select); coding-DNA position 12936, G replaced by T.
Protein change: p.Lys4312Asn; replaces lysine 4312 with asparagine.
Molecular consequence: missense variant.
Genome position (GRCh38, 1-based): chr10:60,055,787, C>A on the plus strand (G>T on the coding strand, the complement: ANK3 is on the minus strand). VCF-style: chr10-60055787-C-A. GRCh37 (hg19) VCF-style: chr10-61815545-C-A.
Other names: c.2808G>T, p.Lys936Asn (NM_001149.4); c.5388G>T, p.Lys1796Asn (NM_001204403.2); c.5409G>T, p.Lys1803Asn (NM_001204404.2); c.5406G>T, p.Lys1802Asn (NM_001320874.2); short protein forms K1802N, K1796N, K4312N, K936N, K1803N.
Identifiers: ClinVar variation 2849331 (VCV002849331.3), dbSNP rs1308904072, ClinGen allele CA376989768.

ClinVar aggregate classification (germline): Uncertain significance (1 of 4 stars; one submission).

Submission:

Labcorp Genetics (formerly Invitae), Labcorp
Classification: Uncertain significance. Last evaluated: 2023-03-25. Review status: criteria provided, single submitter. Criteria: Invitae Variant Classification Sherloc (09022015). Collection method: clinical testing. Allele origin: germline.
Comment: This sequence change replaces lysine, which is basic and polar, with asparagine, which is neutral and polar, at codon 4312 of the ANK3 protein (p.Lys4312Asn). This variant is not present in population databases (gnomAD no frequency). This variant has not been reported in the literature in individuals affected with ANK3-related conditions. An algorithm developed to predict the effect of missense changes on protein structure and function (PolyPhen-2) suggests that this variant is likely to be disruptive. In summary, the available evidence is currently insufficient to determine the role of this variant in disease. Therefore, it has been classified as a Variant of Uncertain Significance.